The following is an entry in ClinVar:

NM_145698.5(ACBD5):c.1273C>G (p.Arg425Gly)

Gene: ACBD5 (acyl-CoA binding domain containing 5; minus strand). Cytogenetic location: 10p12.1.
Variant type: single nucleotide variant.
Coding change: c.1273C>G on transcript NM_145698.5 (MANE Select); coding-DNA position 1273, C replaced by G.
Protein change: p.Arg425Gly; replaces arginine 425 with glycine.
Molecular consequence: missense variant.
Genome position (GRCh38, 1-based): chr10:27,208,377, G>C on the plus strand (C>G on the coding strand, the complement: ACBD5 is on the minus strand). VCF-style: chr10-27208377-G-C. GRCh37 (hg19) VCF-style: chr10-27497306-G-C.
Other names: c.1168C>G, p.Arg390Gly (NM_001042473.4, NM_001352577.2, NM_001352578.2 and 1 more transcripts); c.1267C>G, p.Arg423Gly (NM_001271512.3); c.946C>G, p.Arg316Gly (NM_001301251.2, NM_001301252.2, NM_001301253.2 and 2 more transcripts); c.742C>G, p.Arg248Gly (NM_001301254.2); c.1327C>G, p.Arg443Gly (NM_001352568.1); c.1306C>G, p.Arg436Gly (NM_001352569.1); c.1273C>G, p.Arg425Gly (NM_001352570.1); c.1300C>G, p.Arg434Gly (NM_001352571.1); and 10 more; short protein forms R248G, R316G, R322G, R327G, R355G, R357G, R366G, R368G.
Identifiers: ClinVar variation 1052778 (VCV001052778.6), dbSNP rs779982287, ClinGen allele CA376373435.

ClinVar aggregate classification (germline): Uncertain significance (1 of 4 stars; one submission).

Submission:

Labcorp Genetics (formerly Invitae), Labcorp
Classification: Uncertain significance. Last evaluated: 2021-09-01. Review status: criteria provided, single submitter. Criteria: Invitae Variant Classification Sherloc (09022015). Collection method: clinical testing. Allele origin: germline.
Comment: This sequence change replaces arginine with glycine at codon 425 of the ACBD5 protein (p.Arg425Gly). The arginine residue is moderately conserved and there is a moderate physicochemical difference between arginine and glycine. This variant is not present in population databases (ExAC no frequency). This variant has not been reported in the literature in individuals affected with ACBD5-related conditions. Algorithms developed to predict the effect of missense changes on protein structure and function are either unavailable or do not agree on the potential impact of this missense change (SIFT: "Deleterious"; PolyPhen-2: "Possibly Damaging"; Align-GVGD: "Class C0"). In summary, the available evidence is currently insufficient to determine the role of this variant in disease. Therefore, it has been classified as a Variant of Uncertain Significance.